The following is an entry in ClinVar:

NM_000038.6(APC):c.5449A>T (p.Lys1817Ter)

Gene: APC (APC regulator of Wnt signaling pathway; plus strand). Cytogenetic location: 5q22.2.
Variant type: single nucleotide variant.
Coding change: c.5449A>T on transcript NM_000038.6 (MANE Select); coding-DNA position 5449, A replaced by T.
Protein change: p.Lys1817Ter; replaces lysine 1817 with a stop codon.
Molecular consequence: nonsense. On other transcripts: non-coding transcript variant (2).
Genome position (GRCh38, 1-based): chr5:112,841,043, A>T. VCF-style: chr5-112841043-A-T. GRCh37 (hg19) VCF-style: chr5-112176740-A-T.
Other names: c.5449A>T, p.Lys1817Ter (NM_001127510.3, NM_001354895.2, NM_001407450.1); c.5395A>T, p.Lys1799Ter (NM_001127511.3); c.5503A>T, p.Lys1835Ter (NM_001354896.2, NM_001407447.1, NM_001407448.1 and 1 more transcripts); c.5479A>T, p.Lys1827Ter (NM_001354897.2); c.5374A>T, p.Lys1792Ter (NM_001354898.2); c.5365A>T, p.Lys1789Ter (NM_001354899.2); c.5326A>T, p.Lys1776Ter (NM_001354900.2); c.5272A>T, p.Lys1758Ter (NM_001354901.2, NM_001407453.1); and 11 more; short protein forms K1433*, K1799*, K1827*, K1657*, K1688*, K1716*, K1810*, K1845*.
Identifiers: ClinVar variation 4582964 (VCV004582964.1).

ClinVar aggregate classification (germline): Likely pathogenic (1 of 4 stars; one submission).

Conditions:
Hereditary cancer-predisposing syndrome. Also called: Neoplastic Syndromes, Hereditary; Tumor predisposition; Hereditary Cancer Syndrome; Hereditary neoplastic syndrome. Identifiers: Orphanet 140162, MedGen C0027672, MeSH D009386, MONDO:0015356.

Submission:

Ambry Genetics
Classification: Likely pathogenic for Hereditary cancer-predisposing syndrome. Last evaluated: 2025-10-17. Review status: criteria provided, single submitter. Criteria: Ambry Variant Classification Scheme 2023. Collection method: clinical testing. Allele origin: germline.
Comment: The p.K1817* variant (also known as c.5449A>T), located in coding exon 15 of the APC gene, results from an A to T substitution at nucleotide position 5449. This changes the amino acid from a lysine to a stop codon within coding exon 15. This alteration occurs at the 3' terminus of the gene, is not expected to trigger nonsense-mediated mRNA decay, and impacts the last 36% of the protein. However, premature stop codons are typically deleterious in nature, the impacted region is critical for protein function, and a significant portion of the protein is affected (Ambry internal data). This variant is considered to be rare based on population cohorts in the Genome Aggregation Database (gnomAD). Based on the majority of available evidence to date, this variant is likely to be pathogenic.